The following is an entry in ClinVar:

ClinVar aggregate classification (germline): Uncertain significance. Review status: criteria provided, multiple submitters, no conflicts (2 of 4 stars). 5 submissions from 5 submitters: Uncertain significance (4). 1 of the submissions does not count toward it. Last evaluated 2025-02-09.

Conditions:
GALNT12-related disorder. Also called: GALNT12-related condition.
Colorectal cancer, susceptibility to, 1. Also called: COLORECTAL ADENOMA AND CANCER, SUSCEPTIBILITY TO; COLORECTAL CANCER, SUSCEPTIBILITY TO, ON CHROMOSOME 9. Identifiers: MedGen C1837315, MONDO:0012132, OMIM 608812.

Allele frequency attached by ClinVar (database versions not stated): ExAC below 0.00001; TOPMed 0.00002; gnomAD exomes 0.00003; gnomAD 0.00004.
gnomAD v4.1: 43 of 1,581,786 alleles (0.0027%); highest among the groups gnomAD compares: Non-Finnish European, 0.0034%; no homozygotes.

Submissions (5):

Labcorp Genetics (formerly Invitae), Labcorp
Classification: Uncertain significance. Last evaluated: 2025-02-09. Review status: criteria provided, single submitter. Criteria: Invitae Variant Classification Sherloc (09022015). Collection method: clinical testing. Allele origin: germline.
Comment: This sequence change replaces cysteine, which is neutral and slightly polar, with arginine, which is basic and polar, at codon 231 of the GALNT12 protein (p.Cys231Arg). The frequency data for this variant in the population databases is considered unreliable, as metrics indicate poor data quality at this position in the gnomAD database. This variant has not been reported in the literature in individuals affected with GALNT12-related conditions. ClinVar contains an entry for this variant (Variation ID: 410592). Invitae Evidence Modeling of protein sequence and biophysical properties (such as structural, functional, and spatial information, amino acid conservation, physicochemical variation, residue mobility, and thermodynamic stability) has been performed for this missense variant. However, the output from this modeling did not meet the statistical confidence thresholds required to predict the impact of this variant on GALNT12 protein function. In summary, the available evidence is currently insufficient to determine the role of this variant in disease. Therefore, it has been classified as a Variant of Uncertain Significance.

Blueprint Genetics
Classification: Uncertain significance. Last evaluated: 2024-09-08. Review status: criteria provided, single submitter. Criteria: ACMG Guidelines, 2015. Collection method: clinical testing. Allele origin: germline.

Baylor Genetics
Classification: Uncertain significance for Colorectal cancer, susceptibility to, 1. Last evaluated: 2024-01-22. Review status: criteria provided, single submitter. Criteria: ACMG Guidelines, 2015. Collection method: clinical testing. Allele origin: unknown.

Ambry Genetics
Classification: Uncertain significance. Last evaluated: 2024-01-13. Review status: criteria provided, single submitter. Criteria: Ambry Variant Classification Scheme 2023. Collection method: clinical testing. Allele origin: germline.
Comment: The p.C231R variant (also known as c.691T>C), located in coding exon 3 of the GALNT12 gene, results from a T to C substitution at nucleotide position 691. The cysteine at codon 231 is replaced by arginine, an amino acid with highly dissimilar properties. This amino acid position is highly conserved in available vertebrate species. In addition, this alteration is predicted to be deleterious by in silico analysis. The evidence for this gene-disease relationship is limited; therefore, the clinical significance of this alteration is unclear.

PreventionGenetics, part of Exact Sciences
Classification: Uncertain significance for GALNT12-related condition. Last evaluated: 2024-03-13. Review status: no assertion criteria provided. Collection method: clinical testing. Allele origin: germline. Not counted in ClinVar's aggregate classification.
Comment: The GALNT12 c.691T>C variant is predicted to result in the amino acid substitution p.Cys231Arg. To our knowledge, this variant has not been reported in the literature. This variant is reported in 0.0051% of alleles in individuals of European (Non-Finnish) descent in gnomAD, and it is interpreted as a variant of uncertain significance in ClinVar. At this time, the clinical significance of this variant is uncertain due to the absence of conclusive functional and genetic evidence.

NM_024642.5(GALNT12):c.691T>C (p.Cys231Arg)

Gene: GALNT12 (polypeptide N-acetylgalactosaminyltransferase 12; plus strand). Cytogenetic location: 9q22.33.
Variant type: single nucleotide variant.
Coding change: c.691T>C on transcript NM_024642.5 (MANE Select); coding-DNA position 691, T replaced by C.
Protein change: p.Cys231Arg; replaces cysteine 231 with arginine.
Molecular consequence: missense variant.
Genome position (GRCh38, 1-based): chr9:98,826,901, T>C. VCF-style: chr9-98826901-T-C. GRCh37 (hg19) VCF-style: chr9-101589183-T-C.
Other names: short protein forms C231R.
Identifiers: ClinVar variation 410592 (VCV000410592.15), dbSNP rs751874783, ClinGen allele CA5154024.